The following is an entry in ClinVar:

NM_001197104.2(KMT2A):c.6358A>G (p.Ile2120Val)

Gene: KMT2A (lysine methyltransferase 2A; plus strand). Cytogenetic location: 11q23.3.
Variant type: single nucleotide variant.
Coding change: c.6358A>G on transcript NM_001197104.2 (MANE Select); coding-DNA position 6358, A replaced by G.
Protein change: p.Ile2120Val; replaces isoleucine 2120 with valine.
Molecular consequence: missense variant.
Genome position (GRCh38, 1-based): chr11:118,501,710, A>G. VCF-style: chr11-118501710-A-G. GRCh37 (hg19) VCF-style: chr11-118372425-A-G.
Other names: c.6448A>G, p.Ile2150Val (NM_001412597.1); c.6349A>G, p.Ile2117Val (NM_005933.4); short protein forms I2120V, I2117V, I2150V.
Identifiers: ClinVar variation 1957451 (VCV001957451.4), dbSNP rs149351885, ClinGen allele CA6304235.

ClinVar aggregate classification (germline): Uncertain significance (1 of 4 stars; one submission).

Allele frequency attached by ClinVar (database versions not stated): ExAC 0.00002; gnomAD exomes 0.00002; TOPMed 0.00003; ESP Exome Variant Server 0.00015.
gnomAD v4.1: 35 of 1,613,842 alleles (0.0022%); highest among the groups gnomAD compares: East Asian, 0.025%; no homozygotes.

Submission:

Labcorp Genetics (formerly Invitae), Labcorp
Classification: Uncertain significance. Last evaluated: 2024-08-28. Review status: criteria provided, single submitter. Criteria: Invitae Variant Classification Sherloc (09022015). Collection method: clinical testing. Allele origin: germline.
Comment: This sequence change replaces isoleucine, which is neutral and non-polar, with valine, which is neutral and non-polar, at codon 2120 of the KMT2A protein (p.Ile2120Val). This variant is present in population databases (rs149351885, gnomAD 0.01%). This variant has not been reported in the literature in individuals affected with KMT2A-related conditions. ClinVar contains an entry for this variant (Variation ID: 1957451). Invitae Evidence Modeling of protein sequence and biophysical properties (such as structural, functional, and spatial information, amino acid conservation, physicochemical variation, residue mobility, and thermodynamic stability) indicates that this missense variant is not expected to disrupt KMT2A protein function with a negative predictive value of 95%. In summary, the available evidence is currently insufficient to determine the role of this variant in disease. Therefore, it has been classified as a Variant of Uncertain Significance.